The following is an entry in ClinVar:

NM_001005361.3(DNM2):c.1196+711A>T

Gene: DNM2 (dynamin 2; plus strand). Cytogenetic location: 19p13.2.
Variant type: single nucleotide variant.
Coding change: c.1196+711A>T on transcript NM_001005361.3 (MANE Select); 711 bases into the intron after coding-DNA position 1196, A replaced by T.
Molecular consequence: intron variant. On other transcripts: missense variant (3).
Genome position (GRCh38, 1-based): chr19:10,796,150, A>T. VCF-style: chr19-10796150-A-T. GRCh37 (hg19) VCF-style: chr19-10906826-A-T.
Other names: p.Asp429Val; c.1286A>T, p.Asp429Val (NM_001005360.3, NM_001190716.2, NM_004945.4); c.1196+711A>T (NM_001005362.3); short protein forms D429V.
Identifiers: ClinVar variation 416984 (VCV000416984.16), dbSNP rs186762327, ClinGen allele CA9201041.
Genomic context (GRCh38, chr19:10,796,150, plus strand): 5'-TCGAGGCCATTGTGAAAAAGCAGGTCGTCAAGCTGAAAGAGCCCTGTCTGAAATGTGTCG[A>T]CCTGGTTATCCAGGAGCTAATCAATACAGTTAGGCAGTGTACCAGTAAGGTATTGCTCCC-3'

ClinVar aggregate classification (germline): Benign/Likely benign. Review status: criteria provided, multiple submitters, no conflicts (2 of 4 stars). 4 submissions from 4 submitters: Benign (1); Likely benign (3). Last evaluated 2026-05-29.

Conditions:
DNM2-related disorder. Also called: DNM2-related condition.
Charcot-Marie-Tooth disease dominant intermediate B (CMTDIB). Also called: CHARCOT-MARIE-TOOTH NEUROPATHY, DOMINANT INTERMEDIATE B; Charcot-Marie-Tooth disease dominant intermediate 1; CMT DI1; Charcot-Marie-Tooth disease dominant intermediate I. Identifiers: Orphanet 100044, Orphanet 228179, MedGen C1847902, MONDO:0011674, OMIM 606482.

Allele frequency attached by ClinVar (database versions not stated): gnomAD 0.00011; 1000 Genomes Project 30x 0.00031; TOPMed 0.00036; 1000 Genomes Project 0.00040; ExAC 0.00044; gnomAD exomes 0.00066.
gnomAD v4.1: 206 of 1,614,148 alleles (0.013%); highest among the groups gnomAD compares: Admixed American, 0.34%; 2 homozygotes.

Submissions (5):

Women's Health and Genetics/Laboratory Corporation of America, LabCorp
Classification: Likely benign. Last evaluated: 2026-05-29. Review status: criteria provided, single submitter. Criteria: LabCorp Variant Classification Summary - May 2015. Collection method: clinical testing. Allele origin: germline.

PreventionGenetics, part of Exact Sciences
Classification: Likely benign for DNM2-related condition. Last evaluated: 2026-04-22. Review status: criteria provided, single submitter. Criteria: ACMG Guidelines, 2015. Collection method: clinical testing. Allele origin: germline.
Comment: This variant is classified as likely benign based on ACMG/AMP sequence variant interpretation guidelines (Richards et al. 2015 PMID: 25741868, with internal and published modifications).

Labcorp Genetics (formerly Invitae), Labcorp
Classification: Benign for Charcot-Marie-Tooth disease dominant intermediate B. Last evaluated: 2026-01-26. Review status: criteria provided, single submitter. Criteria: Invitae Variant Classification Sherloc (09022015). Collection method: clinical testing. Allele origin: germline.

Mayo Clinic Laboratories, Mayo Clinic
Classification: Likely benign. Last evaluated: 2025-01-02. Review status: criteria provided, single submitter. Criteria: ACMG Guidelines, 2015. Collection method: clinical testing. Allele origin: germline. Observed: 2 variant alleles.
Comment: BS1, PP3_moderate

Dr. Peter K. Rogan Lab, Western University
No classification provided (evidence only). Condition: Thyroid cancer, nonmedullary, 1. Review status: no classification provided. Collection method: in vitro. Allele origin: not applicable. Functional consequence: skipped exon, retained intron. Not counted in ClinVar's aggregate classification.